The following is an entry in ClinVar:

ClinVar aggregate classification (germline): Benign/Likely benign. Review status: criteria provided, multiple submitters, no conflicts (2 of 4 stars). 5 submissions from 5 submitters: Benign (2); Likely benign (3). Last evaluated 2026-05-01.

Conditions:
Inborn genetic diseases. Identifiers: MedGen C0950123, MeSH D030342.
Charcot-Marie-Tooth disease axonal type 2Z. Also called: CHARCOT-MARIE-TOOTH DISEASE, AXONAL, AUTOSOMAL DOMINANT, TYPE 2Z; CHARCOT-MARIE-TOOTH NEUROPATHY, TYPE 2Z. Identifiers: Orphanet 466768, MedGen C5569025, MONDO:0014736, OMIM 616688.

Allele frequency attached by ClinVar (database versions not stated): gnomAD 0.00017 and 0.00026; gnomAD exomes 0.00022 and 0.00060; ExAC 0.00066; TOPMed 0.00068; 1000 Genomes Project 0.00140; 1000 Genomes Project 30x 0.00141.
gnomAD v4.1: 367 of 1,614,186 alleles (0.023%); highest among the groups gnomAD compares: East Asian, 0.52%; no homozygotes.

Submissions (5):

CeGaT Center for Human Genetics Tuebingen
Classification: Likely benign. Last evaluated: 2026-05-01. Review status: criteria provided, single submitter. Criteria: CeGaT Center For Human Genetics Tuebingen Variant Classification Criteria Version 2. Collection method: clinical testing. Allele origin: germline. Affected: yes. Observed: 1 variant allele.
Comment: MORC2: BS1

Labcorp Genetics (formerly Invitae), Labcorp
Classification: Benign for Charcot-Marie-Tooth disease axonal type 2Z. Last evaluated: 2025-11-12. Review status: criteria provided, single submitter. Criteria: Invitae Variant Classification Sherloc (09022015). Collection method: clinical testing. Allele origin: germline.

ARUP Laboratories, Molecular Genetics and Genomics, ARUP Laboratories
Classification: Likely benign. Last evaluated: 2025-01-08. Review status: criteria provided, single submitter. Criteria: ARUP Molecular Germline Variant Investigation Process 2024. Collection method: clinical testing. Allele origin: germline.

Mayo Clinic Laboratories, Mayo Clinic
Classification: Benign. Last evaluated: 2024-12-30. Review status: criteria provided, single submitter. Criteria: ACMG Guidelines, 2015. Collection method: clinical testing. Allele origin: germline. Observed: 1 variant allele.
Comment: BA1, BS2, BP4_moderate

Ambry Genetics
Classification: Likely benign for Inborn genetic diseases. Last evaluated: 2020-04-06. Review status: criteria provided, single submitter. Criteria: Ambry Variant Classification Scheme 2023. Collection method: clinical testing. Allele origin: germline.

NM_001303256.3(MORC2):c.489G>T (p.Glu163Asp)

Gene: MORC2 (MORC family CW-type zinc finger 2; minus strand). Cytogenetic location: 22q12.2.
Variant type: single nucleotide variant.
Coding change: c.489G>T on transcript NM_001303256.3 (MANE Select); coding-DNA position 489, G replaced by T.
Protein change: p.Glu163Asp; replaces glutamic acid 163 with aspartic acid.
Molecular consequence: missense variant.
Genome position (GRCh38, 1-based): chr22:30,942,209, C>A on the plus strand (G>T on the coding strand, the complement: MORC2 is on the minus strand). VCF-style: chr22-30942209-C-A. GRCh37 (hg19) VCF-style: chr22-31338196-C-A.
Other names: p.Glu163Asp; c.489G>T, p.Glu163Asp (NM_001303257.2); c.303G>T, p.Glu101Asp (NM_014941.3); short protein forms E163D, E101D.
Identifiers: ClinVar variation 475595 (VCV000475595.18), dbSNP rs186458188, ClinGen allele CA10187234.